The following is an entry in ClinVar:

ClinVar aggregate classification (germline): Uncertain significance (1 of 4 stars; one submission).

Submission:

GeneDx
Classification: Uncertain significance. Last evaluated: 2023-10-19. Review status: criteria provided, single submitter. Criteria: GeneDx Variant Classification Process June 2021. Collection method: clinical testing. Allele origin: germline. Affected: yes.
Comment: In silico analysis supports that this missense variant has a deleterious effect on protein structure/function; Not observed at significant frequency in large population cohorts (gnomAD); This variant is associated with the following publications: (PMID: 30143024)

NM_001374675.1(HSF4):c.187T>C (p.Phe63Leu)

Gene: HSF4 (heat shock transcription factor 4; plus strand). Cytogenetic location: 16q22.1.
Variant type: single nucleotide variant.
Coding change: c.187T>C on transcript NM_001374675.1 (MANE Select); coding-DNA position 187, T replaced by C.
Protein change: p.Phe63Leu; replaces phenylalanine 63 with leucine.
Molecular consequence: missense variant.
Genome position (GRCh38, 1-based): chr16:67,165,585, T>C. VCF-style: chr16-67165585-T-C. GRCh37 (hg19) VCF-style: chr16-67199488-T-C.
Other names: c.187T>C, p.Phe63Leu (NM_001040667.3, NM_001374674.1, NM_001538.4); short protein forms F63L.
Identifiers: ClinVar variation 3340602 (VCV003340602.1).